The following is an entry in ClinVar:

NM_001283009.2(RTEL1):c.65A>T (p.Gln22Leu)

Genes: RTEL1 (regulator of telomere elongation helicase 1; plus strand), RTEL1-TNFRSF6B (RTEL1-TNFRSF6B readthrough (NMD candidate); plus strand). Cytogenetic location: 20q13.33.
Variant type: single nucleotide variant.
Coding change: c.65A>T on transcript NM_001283009.2 (MANE Select); coding-DNA position 65, A replaced by T.
Protein change: p.Gln22Leu; replaces glutamine 22 with leucine.
Molecular consequence: missense variant. On other transcripts: non-coding transcript variant (1), intron variant (1).
Genome position (GRCh38, 1-based): chr20:63,659,467, A>T. VCF-style: chr20-63659467-A-T. GRCh37 (hg19) VCF-style: chr20-62290820-A-T.
Other names: c.65A>T, p.Gln22Leu (NM_016434.4, NM_032957.5); c.-568+1008A>T (NM_001283010.1); short protein forms Q22L.
Identifiers: ClinVar variation 4629608 (VCV004629608.1).

ClinVar aggregate classification (germline): Uncertain significance (1 of 4 stars; one submission).

Conditions:
Inborn genetic diseases. Identifiers: MedGen C0950123, MeSH D030342.

Submission:

Ambry Genetics
Classification: Uncertain significance for Inborn genetic diseases. Last evaluated: 2025-11-12. Review status: criteria provided, single submitter. Criteria: Ambry Variant Classification Scheme 2023. Collection method: clinical testing. Allele origin: germline.
Comment: The p.Q22L variant (also known as c.65A>T), located in coding exon 1 of the RTEL1 gene, results from an A to T substitution at nucleotide position 65. The glutamine at codon 22 is replaced by leucine, an amino acid with dissimilar properties. This amino acid position is conserved. In addition, this alteration is predicted to be tolerated by in silico analysis. Based on the available evidence, the clinical significance of this variant remains unclear.